The following is an entry in ClinVar:

ClinVar aggregate classification (germline): Pathogenic (1 of 4 stars; one submission).

Conditions:
Wilms tumor 1 (WT1). Also called: Wilms tumor, somatic. Identifiers: Orphanet 654, MedGen CN033288, MONDO:0008679, OMIM 194070.
11p partial monosomy syndrome (WAGR). Also called: WAGR Complex; WAGR Spectrum Disorder; CHROMOSOME 11p13 DELETION SYNDROME; WAGR syndrome. Identifiers: Orphanet 893, MedGen C0206115, MONDO:0008681, OMIM 194072.
Frasier syndrome. Identifiers: Orphanet 347, MedGen C0950122, MeSH D052159, MONDO:0007635, OMIM 136680.
Drash syndrome (DDS). Also called: WILMS TUMOR AND PSEUDO- OR TRUE HERMAPHRODITISM; NEPHROPATHY, WILMS TUMOR, AND GENITAL ANOMALIES. Identifiers: Orphanet 220, MedGen C0950121, MONDO:0008682, OMIM 194080.

Submission:

Labcorp Genetics (formerly Invitae), Labcorp
Classification: Pathogenic for Wilms tumor 1; Drash syndrome; 11p partial monosomy syndrome; Frasier syndrome. Last evaluated: 2018-12-28. Review status: criteria provided, single submitter. Criteria: Invitae Variant Classification Sherloc (09022015). Collection method: clinical testing. Allele origin: germline.
Comment: This sequence change creates a premature translational stop signal (p.Tyr289*) in the WT1 gene. It is expected to result in an absent or disrupted protein product. This variant is not present in population databases (ExAC no frequency). This nonsense change (published as c.882C>G, p.Y294*)Â¬â€ has been observed in an individual affected with Denys-Drash syndrome (PMID:Â¬â€ 7959750). Loss-of-function variants in WT1 are known to be pathogenic (PMID: 15150775). For these reasons, this variant has been classified as Pathogenic.

NM_024426.6(WT1):c.882C>A (p.Tyr294Ter)

Gene: WT1 (WT1 transcription factor; minus strand). Cytogenetic location: 11p13.
Variant type: single nucleotide variant.
Coding change: c.882C>A on transcript NM_024426.6 (MANE Select); coding-DNA position 882, C replaced by A.
Protein change: p.Tyr294Ter; replaces tyrosine 294 with a stop codon.
Molecular consequence: nonsense. On other transcripts: non-coding transcript variant (1).
Genome position (GRCh38, 1-based): chr11:32,427,961, G>T on the plus strand (C>A on the coding strand, the complement: WT1 is on the minus strand). VCF-style: chr11-32427961-G-T. GRCh37 (hg19) VCF-style: chr11-32449507-G-T.
Other names: c.882C>A, p.Tyr294Ter (NM_000378.6, NM_001407044.1, NM_001407045.1 and 4 more transcripts); c.231C>A, p.Tyr77Ter (NM_001198551.2, NM_001198552.2); c.759C>A, p.Tyr253Ter (NM_001407047.1, NM_001407050.1); c.120C>A, p.Tyr40Ter (NM_001407051.1); c.867C>A, p.Tyr289Ter (NM_024425.2); short protein forms Y294*, Y77*, Y253*, Y289*, Y40*.
Identifiers: ClinVar variation 645008 (VCV000645008.2), dbSNP rs1554945031, ClinGen allele CA379962798.